The following is an entry in ClinVar:

NM_001903.5(CTNNA1):c.796G>C (p.Asp266His)

Gene: CTNNA1 (catenin alpha 1; plus strand). Cytogenetic location: 5q31.2.
Variant type: single nucleotide variant.
Coding change: c.796G>C on transcript NM_001903.5 (MANE Select); coding-DNA position 796, G replaced by C.
Protein change: p.Asp266His; replaces aspartic acid 266 with histidine.
Molecular consequence: missense variant.
Genome position (GRCh38, 1-based): chr5:138,824,737, G>C. VCF-style: chr5-138824737-G-C. GRCh37 (hg19) VCF-style: chr5-138160426-G-C.
Other names: c.796G>C (NM_001903.2); c.796G>C, p.Asp266His (NM_001290307.3, NM_001323982.2, NM_001323983.1 and 3 more transcripts); c.487G>C, p.Asp163His (NM_001290309.3); c.427G>C, p.Asp143His (NM_001290310.3); short protein forms D163H, D266H, D143H.
Identifiers: ClinVar variation 2134730 (VCV002134730.5), dbSNP rs911099877, ClinGen allele CA361130063.

ClinVar aggregate classification (germline): Uncertain significance. Review status: criteria provided, multiple submitters, no conflicts (2 of 4 stars). 2 submissions from 2 submitters: Uncertain significance (2). Last evaluated 2026-08-05.

Conditions:
Hereditary cancer-predisposing syndrome. Also called: Tumor predisposition; Hereditary Cancer Syndrome; Hereditary neoplastic syndrome; Neoplastic Syndromes, Hereditary. Identifiers: Orphanet 140162, MedGen C0027672, MeSH D009386, MONDO:0015356.

gnomAD v4.1: 2 of 1,614,172 alleles (0.00012%); highest among the groups gnomAD compares: Non-Finnish European, 0.000085%; no homozygotes.

Submissions (2):

Ambry Genetics
Classification: Uncertain significance for Hereditary cancer-predisposing syndrome. Last evaluated: 2026-08-05. Review status: criteria provided, single submitter. Criteria: Ambry Variant Classification Scheme 2023. Collection method: clinical testing. Allele origin: germline.
Comment: The p.D266H variant (also known as c.796G>C), located in coding exon 5 of the CTNNA1 gene, results from a G to C substitution at nucleotide position 796. The aspartic acid at codon 266 is replaced by histidine, an amino acid with similar properties. This amino acid position is conserved. In addition, this alteration is predicted to be tolerated by in silico analysis. Based on the available evidence, the clinical significance of this variant remains unclear.

Labcorp Genetics (formerly Invitae), Labcorp
Classification: Uncertain significance. Last evaluated: 2022-05-06. Review status: criteria provided, single submitter. Criteria: Invitae Variant Classification Sherloc (09022015). Collection method: clinical testing. Allele origin: germline.
Comment: In summary, the available evidence is currently insufficient to determine the role of this variant in disease. Therefore, it has been classified as a Variant of Uncertain Significance. This sequence change replaces aspartic acid, which is acidic and polar, with histidine, which is basic and polar, at codon 266 of the CTNNA1 protein (p.Asp266His). This variant is not present in population databases (gnomAD no frequency). This variant has not been reported in the literature in individuals affected with CTNNA1-related conditions. Algorithms developed to predict the effect of missense changes on protein structure and function are either unavailable or do not agree on the potential impact of this missense change (SIFT: "Deleterious"; PolyPhen-2: "Possibly Damaging"; Align-GVGD: "Class C0").